The following is an entry in ClinVar:

ClinVar aggregate classification (germline): Uncertain significance (1 of 4 stars; one submission).

Conditions:
Autosomal recessive limb-girdle muscular dystrophy type R18 (LGMDR18). Also called: MUSCULAR DYSTROPHY, LIMB-GIRDLE, AUTOSOMAL RECESSIVE 18; Limb-girdle muscular dystrophy, type 2S; Autosomal recessive limb-girdle muscular dystrophy type 2S. Identifiers: Orphanet 369840, MedGen C4517996, MONDO:0014144, OMIM 615356.

Allele frequency attached by ClinVar (database versions not stated): gnomAD exomes 0.00001 and 0.00003; TOPMed 0.00002; gnomAD 0.00003 and 0.00004.
gnomAD v4.1: 43 of 1,613,830 alleles (0.0027%); highest among the groups gnomAD compares: Non-Finnish European, 0.0036%; no homozygotes.

Submission:

Labcorp Genetics (formerly Invitae), Labcorp
Classification: Uncertain significance for Autosomal recessive limb-girdle muscular dystrophy type R18. Last evaluated: 2021-09-17. Review status: criteria provided, single submitter. Criteria: Invitae Variant Classification Sherloc (09022015). Collection method: clinical testing. Allele origin: germline.
Comment: This sequence change replaces glutamine with lysine at codon 606 of the TRAPPC11 protein (p.Gln606Lys). The glutamine residue is moderately conserved and there is a small physicochemical difference between glutamine and lysine. This variant is not present in population databases (ExAC no frequency). This variant has not been reported in the literature in individuals affected with TRAPPC11-related conditions. Algorithms developed to predict the effect of missense changes on protein structure and function (SIFT, PolyPhen-2, Align-GVGD) all suggest that this variant is likely to be tolerated. In summary, the available evidence is currently insufficient to determine the role of this variant in disease. Therefore, it has been classified as a Variant of Uncertain Significance.

NM_021942.6(TRAPPC11):c.1816C>A (p.Gln606Lys)

Gene: TRAPPC11 (trafficking protein particle complex subunit 11; plus strand). Cytogenetic location: 4q35.1.
Variant type: single nucleotide variant.
Coding change: c.1816C>A on transcript NM_021942.6 (MANE Select); coding-DNA position 1816, C replaced by A.
Protein change: p.Gln606Lys; replaces glutamine 606 with lysine.
Molecular consequence: missense variant.
Genome position (GRCh38, 1-based): chr4:183,686,671, C>A. VCF-style: chr4-183686671-C-A. GRCh37 (hg19) VCF-style: chr4-184607824-C-A.
Other names: c.1816C>A, p.Gln606Lys (NM_199053.3); short protein forms Q606K.
Identifiers: ClinVar variation 1377103 (VCV001377103.3), dbSNP rs1171897657, ClinGen allele CA358869754.